The following is an entry in ClinVar:

ClinVar aggregate classification (germline): Uncertain significance (1 of 4 stars; one submission).

Conditions:
DNMT3A-related disorder. Also called: DNMT3A-related disorders; DNMT3A-related condition.

Submission:

PreventionGenetics, part of Exact Sciences
Classification: Uncertain significance for DNMT3A-related condition. Last evaluated: 2025-07-14. Review status: criteria provided, single submitter. Criteria: ACMG Guidelines, 2015. Collection method: clinical testing. Allele origin: germline.
Comment: The DNMT3A c.32C>T variant is predicted to result in the amino acid substitution p.Ser11Phe. To our knowledge, this variant has not been reported in the literature or in a large population database, indicating this variant is rare. At this time, the clinical significance of this variant is uncertain due to the absence of conclusive functional and genetic evidence.

NM_022552.5(DNMT3A):c.640-3811C>T

Genes: DNMT3A (DNA methyltransferase 3 alpha; minus strand), LOC129933288 (ATAC-STARR-seq lymphoblastoid silent region 11249; plus strand). Cytogenetic location: 2p23.3.
Variant type: single nucleotide variant.
Coding change: c.640-3811C>T on transcript NM_022552.5 (MANE Select); 3811 bases into the intron before coding-DNA position 640, C replaced by T.
Molecular consequence: intron variant. On other transcripts: missense variant (1).
Genome position (GRCh38, 1-based): chr2:25,252,063, G>A on the plus strand (C>T on the coding strand, the complement: DNMT3A is on the minus strand). VCF-style: chr2-25252063-G-A. GRCh37 (hg19) VCF-style: chr2-25474932-G-A.
Other names: c.32C>T, p.Ser11Phe (NM_001320893.1); c.640-3811C>T (NM_175629.2); c.4+131C>T (NM_153759.3); c.-31+131C>T (NM_001375819.1); short protein forms S11F.
Identifiers: ClinVar variation 4988294 (VCV004988294.1).